The following is an entry in ClinVar:

ClinVar aggregate classification (germline): Uncertain significance (1 of 4 stars; one submission).

Conditions:
Perlman syndrome (PRLMNS). Identifiers: Orphanet 2849, MedGen C0796113, MONDO:0009965, OMIM 267000.

Submission:

Labcorp Genetics (formerly Invitae), Labcorp
Classification: Uncertain significance for Perlman syndrome. Last evaluated: 2019-10-24. Review status: criteria provided, single submitter. Criteria: Invitae Variant Classification Sherloc (09022015). Collection method: clinical testing. Allele origin: germline.
Comment: In summary, the available evidence is currently insufficient to determine the role of this variant in disease. Therefore, it has been classified as a Variant of Uncertain Significance. Algorithms developed to predict the effect of missense changes on protein structure and function are either unavailable or do not agree on the potential impact of this missense change (SIFT: "Deleterious"; PolyPhen-2: "Probably Damaging"; Align-GVGD: "Class C0"). This variant has not been reported in the literature in individuals with DIS3L2-related conditions. This variant is not present in population databases (ExAC no frequency). This sequence change replaces aspartic acid with alanine at codon 424 of the DIS3L2 protein (p.Asp424Ala). The aspartic acid residue is highly conserved and there is a moderate physicochemical difference between aspartic acid and alanine.

NM_152383.5(DIS3L2):c.1271A>C (p.Asp424Ala)

Gene: DIS3L2 (DIS3 like 3'-5' exoribonuclease 2; plus strand). Cytogenetic location: 2q37.1.
Variant type: single nucleotide variant.
Coding change: c.1271A>C on transcript NM_152383.5 (MANE Select); coding-DNA position 1271, A replaced by C.
Protein change: p.Asp424Ala; replaces aspartic acid 424 with alanine.
Molecular consequence: missense variant. On other transcripts: non-coding transcript variant (2).
Genome position (GRCh38, 1-based): chr2:232,238,599, A>C. VCF-style: chr2-232238599-A-C. GRCh37 (hg19) VCF-style: chr2-233103309-A-C.
Other names: c.1271A>C, p.Asp424Ala (NM_001257281.2); short protein forms D424A.
Identifiers: ClinVar variation 955614 (VCV000955614.9), dbSNP rs1692997849, ClinGen allele CA351154694.